The following is an entry in ClinVar:

NM_001927.4(DES):c.638_639+5del

Gene: DES (desmin; plus strand). Cytogenetic location: 2q35.
Variant type: Deletion.
Coding change: c.638_639+5del on transcript NM_001927.4 (MANE Select); coding-DNA position 638 through 5 bases into the intron after coding-DNA position 639, 7 bases deleted (CGGTGAG; older notation c.638_639+5delCGGTGAG).
Molecular consequence: splice donor variant. On other transcripts: intron variant (1).
Genome position (GRCh38, 1-based): chr2:219,420,154-219,420,160, CGGTGAG deleted; deleting any 7 consecutive bases within chr2:219,420,151-219,420,160 gives the same sequence; the c. name uses the placement nearest the transcript's 3' end. VCF-style (leftmost placement, unchanged base first): chr2-219420150-CGAGCGGT-C. GRCh37 (hg19) VCF-style: chr2-220284872-CGAGCGGT-C.
Other names: c.638_639+5del (NM_001382712.1, NM_001382711.1, NM_001382710.1 and 1 more transcripts); c.636+2_636+8del (NM_001382708.1); c.496-371_496-365del (NM_001382713.1).
Identifiers: ClinVar variation 4824201 (VCV004824201.1).

ClinVar aggregate classification (germline): Uncertain significance (1 of 4 stars; one submission).

Conditions:
Cardiovascular phenotype. Identifiers: MedGen CN230736.

Submission:

Ambry Genetics
Classification: Uncertain significance for Cardiovascular phenotype. Last evaluated: 2026-01-23. Review status: criteria provided, single submitter. Criteria: Ambry Variant Classification Scheme 2023. Collection method: clinical testing. Allele origin: germline.
Comment: The c.638_639+5delCGGTGAG variant results from a deletion of seven nucleotides between positions c.638 and c.639+5 and involves the canonical splice donor site after coding exon 2 of the DES gene. The canonical splice donor site is highly conserved in available vertebrate species. In silico splice site analysis predicts that this alteration will weaken the native splice donor site; however, the exact impact of this deletion on splicing and function is currently unknown. Variants that disrupt the canonical splice site are expected to cause aberrant splicing, resulting in an abnormal protein or a transcript that is subject to nonsense-mediated mRNA decay. Although biallelic loss of function of DES has been associated with autosomal recessive DES-related myofibrillar myopathy, haploinsufficiency of DES has not been established as a mechanism of disease for autosomal dominant DES-related myopathy. Based on the supporting evidence, this variant is expected to be causative of autosomal recessive DES-related myofibrillar myopathy when present along with a second pathogenic variant on the other allele; however, its clinical significance for autosomal dominant DES-related myopathy is unclear.